The following is an entry in ClinVar:

NM_001165963.4(SCN1A):c.265-1G>A

Gene: SCN1A (sodium voltage-gated channel alpha subunit 1; minus strand). Cytogenetic location: 2q24.3.
Variant type: single nucleotide variant.
Coding change: c.265-1G>A on transcript NM_001165963.4 (MANE Select); the canonical splice acceptor site of the intron before coding-DNA position 265, G replaced by A.
Molecular consequence: splice acceptor variant.
Genome position (GRCh38, 1-based): chr2:166,058,689, C>T on the plus strand (G>A on the coding strand, the complement: SCN1A is on the minus strand). VCF-style: chr2-166058689-C-T. GRCh37 (hg19) VCF-style: chr2-166915199-C-T.
Other names: c.265-1G>A (NM_001353949.2, NM_001353958.2, NM_001353950.2 and 10 more transcripts); c.-2161-1G>A (NM_001353961.2).
Identifiers: ClinVar variation 206735 (VCV000206735.10), dbSNP rs796052953, ClinGen allele CA317117.

ClinVar aggregate classification (germline): Pathogenic. Review status: criteria provided, multiple submitters, no conflicts (2 of 4 stars). 3 submissions from 3 submitters: Pathogenic (2). 1 of the submissions does not count toward it. Last evaluated 2021-08-27.

Conditions:
Developmental and epileptic encephalopathy. Identifiers: MedGen C5779964, MONDO:0100620.

Submissions (3):

Labcorp Genetics (formerly Invitae), Labcorp
Classification: Pathogenic for Early-infantile DEE. Last evaluated: 2021-08-27. Review status: criteria provided, single submitter. Criteria: Invitae Variant Classification Sherloc (09022015). Collection method: clinical testing. Allele origin: germline.

GeneDx
Classification: Pathogenic. Last evaluated: 2013-12-16. Review status: criteria provided, single submitter. Criteria: GeneDx Variant Classification (06012015). Collection method: clinical testing. Allele origin: germline. Affected: yes.
Comment: c.265-1 G>A: IVS1-1 G>A in intron 1 of the SCN1A gene (NM_001165963.1) The c.265-1 G>A splice site mutation in the SCN1A gene has been previously reported as a de novo mutation in a patient with severe myoclonic epilepsy of infancy (Harkin et al., 2007). Another nucleotide substitution at this same position (c.265-1 G>C) has also been published as a de novo mutation in a patient with Dravet sydrome (Depienne et al., 2009). This mutation destroys the canonical splice acceptor site in intron 1, and is expected to cause abnormal gene splicing. Therefore, the presence of the c.265-1 G>A mutation is consistent with a diagnosis of an SCN1A-related disorder. The variant is found in EPILEPSY panel(s).

Genetics and Genomic Medicine Centre, NeuroGen Healthcare, NeuroGen Healthcare
Classification: Pathogenic. Last evaluated: 2021-01-25. Review status: no assertion criteria provided. Collection method: clinical testing. Allele origin: unknown. Affected: yes. Not counted in ClinVar's aggregate classification.